The following is an entry in ClinVar:

ClinVar aggregate classification (germline): Uncertain significance (1 of 4 stars; one submission).

Conditions:
Pityriasis rubra pilaris (PRP). Also called: Pityriasis rubra pilaris--familial type. Identifiers: Orphanet 2897, MedGen C0032027, MONDO:0100017, OMIM 173200, MONDO:0008251.
Psoriasis 2. Identifiers: MedGen C1864497, MONDO:0011269, OMIM 602723.

Submission:

Labcorp Genetics (formerly Invitae), Labcorp
Classification: Uncertain significance for Pityriasis rubra pilaris; Psoriasis 2. Last evaluated: 2024-06-03. Review status: criteria provided, single submitter. Criteria: Invitae Variant Classification Sherloc (09022015). Collection method: clinical testing. Allele origin: germline.
Comment: This sequence change replaces arginine, which is basic and polar, with glycine, which is neutral and non-polar, at codon 266 of the CARD14 protein (p.Arg266Gly). This variant is not present in population databases (gnomAD no frequency). This variant has not been reported in the literature in individuals affected with CARD14-related conditions. Advanced modeling of protein sequence and biophysical properties (such as structural, functional, and spatial information, amino acid conservation, physicochemical variation, residue mobility, and thermodynamic stability) performed at Invitae indicates that this missense variant is expected to disrupt CARD14 protein function with a positive predictive value of 80%. In summary, the available evidence is currently insufficient to determine the role of this variant in disease. Therefore, it has been classified as a Variant of Uncertain Significance.

NM_001366385.1(CARD14):c.796C>G (p.Arg266Gly)

Gene: CARD14 (caspase recruitment domain family member 14; plus strand). Cytogenetic location: 17q25.3.
Variant type: single nucleotide variant.
Coding change: c.796C>G on transcript NM_001366385.1 (MANE Select); coding-DNA position 796, C replaced by G.
Protein change: p.Arg266Gly; replaces arginine 266 with glycine.
Molecular consequence: missense variant. On other transcripts: non-coding transcript variant (1).
Genome position (GRCh38, 1-based): chr17:80,188,497, C>G. VCF-style: chr17-80188497-C-G. GRCh37 (hg19) VCF-style: chr17-78162296-C-G.
Other names: c.796C>G, p.Arg266Gly (NM_001257970.1, NM_024110.4); c.85C>G, p.Arg29Gly (NM_052819.3); short protein forms R266G, R29G.
Identifiers: ClinVar variation 3756587 (VCV003756587.2).
Genomic context (GRCh38, chr17:80,188,497, plus strand): 5'-TTGCAAGAGCAGTCCCTGAGGACAGCCAGCGACCAGGAGTCCGGGGATGAGGAGCTGAAC[C>G]GCCTGAAGGAGGAGAATGAGAAACTGCGCTCGCTGACTTTCAGCCTGGTAGGTTCCGGTC-3'
Protein context (NP_001353314.1, residues 256-276): DQESGDEELN[Arg266Gly]LKEENEKLRS